The following is an entry in ClinVar:

NM_015488.5(PNKD):c.872A>C (p.His291Pro)

Genes: PNKD (PNKD metallo-beta-lactamase domain containing; plus strand), CATIP-AS2 (CATIP antisense RNA 2; minus strand). Cytogenetic location: 2q35.
Variant type: single nucleotide variant.
Coding change: c.872A>C on transcript NM_015488.5 (MANE Select); coding-DNA position 872, A replaced by C.
Protein change: p.His291Pro; replaces histidine 291 with proline.
Molecular consequence: missense variant.
Genome position (GRCh38, 1-based): chr2:218,344,458, A>C. VCF-style: chr2-218344458-A-C. GRCh37 (hg19) VCF-style: chr2-219209181-A-C.
Other names: c.800A>C, p.His267Pro (NM_022572.5); short protein forms H267P, H291P.
Identifiers: ClinVar variation 2892688 (VCV002892688.3), dbSNP rs975135454, ClinGen allele CA65761506.

ClinVar aggregate classification (germline): Uncertain significance (1 of 4 stars; one submission).

Conditions:
Paroxysmal nonkinesigenic dyskinesia. Also called: Paroxysmal non-kinesigenic dyskinesia. Identifiers: Orphanet 98810, MedGen C1869117, MONDO:0700088.

Allele frequency attached by ClinVar (database versions not stated): gnomAD 0.00001; TOPMed 0.00001.
gnomAD v4.1: 1 of 1,572,340 alleles (0.000064%); highest among the groups gnomAD compares: African/African-American, 0.0013%; no homozygotes.

Submission:

Labcorp Genetics (formerly Invitae), Labcorp
Classification: Uncertain significance for Paroxysmal nonkinesigenic dyskinesia. Last evaluated: 2023-10-09. Review status: criteria provided, single submitter. Criteria: Invitae Variant Classification Sherloc (09022015). Collection method: clinical testing. Allele origin: germline.
Comment: This sequence change replaces histidine, which is basic and polar, with proline, which is neutral and non-polar, at codon 291 of the PNKD protein (p.His291Pro). This variant is not present in population databases (gnomAD no frequency). This variant has not been reported in the literature in individuals affected with PNKD-related conditions. Advanced modeling of protein sequence and biophysical properties (such as structural, functional, and spatial information, amino acid conservation, physicochemical variation, residue mobility, and thermodynamic stability) performed at Invitae indicates that this missense variant is expected to disrupt PNKD protein function. In summary, the available evidence is currently insufficient to determine the role of this variant in disease. Therefore, it has been classified as a Variant of Uncertain Significance.